The following is an entry in ClinVar:

NM_001081.4(CUBN):c.10612G>A (p.Glu3538Lys)

Gene: CUBN (cubilin; minus strand). Cytogenetic location: 10p13.
Variant type: single nucleotide variant.
Coding change: c.10612G>A on transcript NM_001081.4 (MANE Select); coding-DNA position 10612, G replaced by A.
Protein change: p.Glu3538Lys; replaces glutamic acid 3538 with lysine.
Molecular consequence: missense variant.
Genome position (GRCh38, 1-based): chr10:16,828,957, C>T on the plus strand (G>A on the coding strand, the complement: CUBN is on the minus strand). VCF-style: chr10-16828957-C-T. GRCh37 (hg19) VCF-style: chr10-16870956-C-T.
Other names: short protein forms E3538K.
Identifiers: ClinVar variation 583202 (VCV000583202.6), dbSNP rs756614749, ClinGen allele CA5422332.

ClinVar aggregate classification (germline): Uncertain significance (1 of 4 stars; one submission).

Conditions:
Imerslund-Grasbeck syndrome. Also called: Imerslund-Gräsbeck syndrome; ENTEROCYTE COBALAMIN MALABSORPTION; ENTEROCYTE INTRINSIC FACTOR RECEPTOR, DEFECT OF; PERNICIOUS ANEMIA, JUVENILE, DUE TO SELECTIVE INTESTINAL MALABSORPTION OF VITAMIN B12, WITH PROTEINURIA; Megaloblastic anemia due to inborn errors of metabolism. Identifiers: Orphanet 35858, MedGen C4551825, MONDO:0009853.

Allele frequency attached by ClinVar (database versions not stated): TOPMed 0.00002.
gnomAD v4.1: 40 of 1,614,096 alleles (0.0025%); highest among the groups gnomAD compares: South Asian, 0.027%; no homozygotes.

Submission:

Labcorp Genetics (formerly Invitae), Labcorp
Classification: Uncertain significance for Imerslund-Grasbeck syndrome. Last evaluated: 2018-06-29. Review status: criteria provided, single submitter. Criteria: Invitae Variant Classification Sherloc (09022015). Collection method: clinical testing. Allele origin: germline.
Comment: This sequence change replaces glutamic acid with lysine at codon 3538 of the CUBN protein (p.Glu3538Lys). The glutamic acid residue is moderately conserved and there is a small physicochemical difference between glutamic acid and lysine. This variant is present in population databases (rs756614749, ExAC 0.02%). This variant has not been reported in the literature in individuals with CUBN-related disease. Algorithms developed to predict the effect of missense changes on protein structure and function are either unavailable or do not agree on the potential impact of this missense change (SIFT: "Tolerated"; PolyPhen-2: "Probably Damaging"; Align-GVGD: "Class C0"). In summary, the available evidence is currently insufficient to determine the role of this variant in disease. Therefore, it has been classified as a Variant of Uncertain Significance.